The following is an entry in ClinVar:

NM_012062.5(DNM1L):c.2155-216G>A

Gene: DNM1L (dynamin 1 like; plus strand). Cytogenetic location: 12p11.21.
Variant type: single nucleotide variant.
Coding change: c.2155-216G>A on transcript NM_012062.5 (MANE Select); 216 bases into the intron before coding-DNA position 2155, G replaced by A.
Molecular consequence: intron variant.
Genome position (GRCh38, 1-based): chr12:32,743,138, G>A. VCF-style: chr12-32743138-G-A. GRCh37 (hg19) VCF-style: chr12-32896072-G-A.
Other names: c.2194-216G>A (NM_001278464.2); c.2161-216G>A (NM_001278465.2); c.2083-216G>A (NM_001330380.2); c.1546-216G>A (NM_001278466.2); c.2122-216G>A (NM_001278463.2); c.2077-216G>A (NM_012063.4); c.2044-216G>A (NM_005690.5).
Identifiers: ClinVar variation 680948 (VCV000680948.1), dbSNP rs191953597, ClinGen allele CA235208511.

ClinVar aggregate classification (germline): Likely benign (1 of 4 stars; one submission).

Allele frequency attached by ClinVar (database versions not stated): 1000 Genomes Project 0.00919; gnomAD 0.01008 and 0.01077; 1000 Genomes Project 30x 0.01046; TOPMed 0.01130.
gnomAD v4.1: 1,518 of 151,424 alleles (1%); highest among the groups gnomAD compares: African/African-American, 3.4%; 32 homozygotes.

Submission:

GeneDx
Classification: Likely benign. Last evaluated: 2018-06-14. Review status: criteria provided, single submitter. Criteria: GeneDx Variant Classification (06012015). Collection method: clinical testing. Allele origin: germline. Affected: yes.
Comment: This variant is considered likely benign or benign based on one or more of the following criteria: it is a conservative change, it occurs at a poorly conserved position in the protein, it is predicted to be benign by multiple in silico algorithms, and/or has population frequency not consistent with disease.